The following is an entry in ClinVar:

NM_001017995.3(SH3PXD2B):c.2345A>G (p.Gln782Arg)

Gene: SH3PXD2B (SH3 and PX domains 2B; minus strand). Cytogenetic location: 5q35.1.
Variant type: single nucleotide variant.
Coding change: c.2345A>G on transcript NM_001017995.3 (MANE Select); coding-DNA position 2345, A replaced by G.
Protein change: p.Gln782Arg; replaces glutamine 782 with arginine.
Molecular consequence: missense variant. On other transcripts: intron variant (1).
Genome position (GRCh38, 1-based): chr5:172,338,760, T>C on the plus strand (A>G on the coding strand, the complement: SH3PXD2B is on the minus strand). VCF-style: chr5-172338760-T-C. GRCh37 (hg19) VCF-style: chr5-171765764-T-C.
Other names: c.1188+7376A>G (NM_001308175.2); short protein forms Q782R.
Identifiers: ClinVar variation 1491451 (VCV001491451.6), dbSNP rs373458298, ClinGen allele CA3560988.
Genomic context (GRCh38, chr5:172,338,760, plus strand): 5'-GGAGGGACGAGGAGAGCACGGCCTGGGGTGGGAGCTGCCCTGCTTTCGTGGCCTTCACAC[T>C]GTGGACCTCTGACCTCTGGGAGCGGCCTGGATGACGAAGAGGTTTTCTTTGGGGGAGGTG-3'
Protein context (NP_001017995.1, residues 772-792): SRPLPEVRGP[Gln782Arg]CEGHESRAAP

ClinVar aggregate classification (germline): Uncertain significance (1 of 4 stars; one submission).

Allele frequency attached by ClinVar (database versions not stated): ExAC 0.00001; gnomAD exomes 0.00001 and 0.00003; ESP Exome Variant Server 0.00008.
gnomAD v4.1: 45 of 1,614,072 alleles (0.0028%); highest among the groups gnomAD compares: Non-Finnish European, 0.0037%; no homozygotes.

Submission:

Labcorp Genetics (formerly Invitae), Labcorp
Classification: Uncertain significance. Last evaluated: 2021-08-11. Review status: criteria provided, single submitter. Criteria: Invitae Variant Classification Sherloc (09022015). Collection method: clinical testing. Allele origin: germline.
Comment: In summary, the available evidence is currently insufficient to determine the role of this variant in disease. Therefore, it has been classified as a Variant of Uncertain Significance. Algorithms developed to predict the effect of missense changes on protein structure and function (SIFT, PolyPhen-2, Align-GVGD) all suggest that this variant is likely to be tolerated. This variant has not been reported in the literature in individuals affected with SH3PXD2B-related conditions. This variant is present in population databases (rs373458298, ExAC 0.01%). This sequence change replaces glutamine with arginine at codon 782 of the SH3PXD2B protein (p.Gln782Arg). The glutamine residue is moderately conserved and there is a small physicochemical difference between glutamine and arginine.